The following is an entry in ClinVar:

NM_005321.3(H1-4):c.60G>A (p.Val20=)

Gene: H1-4 (H1.4 linker histone, cluster member; plus strand). Cytogenetic location: 6p22.2.
Variant type: single nucleotide variant.
Coding change: c.60G>A on transcript NM_005321.3 (MANE Select); coding-DNA position 60, G replaced by A.
Protein change: p.Val20=; no amino-acid change (valine 20 retained).
Molecular consequence: synonymous variant.
Genome position (GRCh38, 1-based): chr6:26,156,450, G>A. VCF-style: chr6-26156450-G-A. GRCh37 (hg19) VCF-style: chr6-26156678-G-A.
Identifiers: ClinVar variation 4980141 (VCV004980141.2).

ClinVar aggregate classification (germline): Likely benign. Review status: criteria provided, multiple submitters, no conflicts (2 of 4 stars). 2 submissions from 2 submitters: Likely benign (2). Last evaluated 2026-08-01.

Conditions:
H1-4-related disorder. Also called: H1-4-related condition.

gnomAD v4.1: 131 of 1,610,988 alleles (0.0081%); highest among the groups gnomAD compares: Admixed American, 0.067%; no homozygotes.

Submissions (2):

CeGaT Center for Human Genetics Tuebingen
Classification: Likely benign. Last evaluated: 2026-08-01. Review status: criteria provided, single submitter. Criteria: CeGaT Center For Human Genetics Tuebingen Variant Classification Criteria Version 2. Collection method: clinical testing. Allele origin: germline. Affected: yes. Observed: 1 variant allele.
Comment: H1-4: BP4, BP7

PreventionGenetics, part of Exact Sciences
Classification: Likely benign for H1-4-related condition. Last evaluated: 2026-04-03. Review status: criteria provided, single submitter. Criteria: ACMG Guidelines, 2015. Collection method: clinical testing. Allele origin: germline.
Comment: This variant is classified as likely benign based on ACMG/AMP sequence variant interpretation guidelines (Richards et al. 2015 PMID: 25741868, with internal and published modifications).